The following is an entry in ClinVar:

ClinVar aggregate classification (germline): Likely benign. Review status: criteria provided, multiple submitters, no conflicts (2 of 4 stars). 3 submissions from 3 submitters: Likely benign (3). Last evaluated 2026-09-12.

Conditions:
Autosomal recessive limb-girdle muscular dystrophy type 2J (LGMDR10). Also called: Limb-girdle muscular dystrophy, type 2J; MUSCULAR DYSTROPHY, LIMB-GIRDLE, AUTOSOMAL RECESSIVE 10. Identifiers: Orphanet 140922, MedGen C1837342, MONDO:0012127, OMIM 608807.
Dilated cardiomyopathy 1G (CMD1G). Identifiers: Orphanet 154, MedGen C1858763, MONDO:0011400, OMIM 604145.
Cardiovascular phenotype. Identifiers: MedGen CN230736.

Allele frequency attached by ClinVar (database versions not stated): gnomAD 0.00001; gnomAD exomes 0.00001 and 0.00005; TOPMed 0.00001; ExAC 0.00006.
gnomAD v4.1: 15 of 1,606,250 alleles (0.00093%); highest among the groups gnomAD compares: Admixed American, 0.025%; no homozygotes.

Submissions (3):

Ambry Genetics
Classification: Likely benign for Cardiovascular phenotype. Last evaluated: 2026-09-12. Review status: criteria provided, single submitter. Criteria: Ambry Variant Classification Scheme 2023. Collection method: clinical testing. Allele origin: germline.

Athena Diagnostics
Classification: Likely benign. Last evaluated: 2025-03-24. Review status: criteria provided, single submitter. Criteria: Athena Diagnostics Criteria. Collection method: clinical testing. Allele origin: unknown.
Comment: The frequency of this variant in the general population is higher than would generally be expected for pathogenic variants in this gene. Computational tools yielded predictions that this variant is unlikely to have an effect on normal RNA splicing. This nucleotide position exhibits low evolutionary conservation.

Labcorp Genetics (formerly Invitae), Labcorp
Classification: Likely benign for Dilated cardiomyopathy 1G; Autosomal recessive limb-girdle muscular dystrophy type 2J. Last evaluated: 2024-11-05. Review status: criteria provided, single submitter. Criteria: Invitae Variant Classification Sherloc (09022015). Collection method: clinical testing. Allele origin: germline.

NM_001267550.2(TTN):c.43755C>T (p.Asp14585=)

Gene: TTN (titin; minus strand). Cytogenetic location: 2q31.2.
Variant type: single nucleotide variant.
Coding change: c.43755C>T on transcript NM_001267550.2 (MANE Select); coding-DNA position 43755, C replaced by T.
Protein change: p.Asp14585=; no amino-acid change (aspartic acid 14585 retained).
Molecular consequence: synonymous variant.
Genome position (GRCh38, 1-based): chr2:178,631,293, G>A on the plus strand (C>T on the coding strand, the complement: TTN is on the minus strand). VCF-style: chr2-178631293-G-A. GRCh37 (hg19) VCF-style: chr2-179496020-G-A.
Other names: c.38832C>T, p.Asp12944= (NM_001256850.1); c.16560C>T, p.Asp5520= (NM_003319.4); c.36051C>T, p.Asp12017= (NM_133378.4); c.16935C>T, p.Asp5645= (NM_133432.3); c.17136C>T, p.Asp5712= (NM_133437.4); c.43755C>T (NM_001267550.1).
Identifiers: ClinVar variation 535751 (VCV000535751.13), dbSNP rs759486529, ClinGen allele CA1995805.